The following is an entry in ClinVar:

ClinVar aggregate classification (germline): Likely benign (0 of 4 stars; one submission).

Conditions:
PHF6-related disorder. Also called: PHF6-related condition.

Allele frequency attached by ClinVar (database versions not stated): gnomAD 0.00002; TOPMed 0.00002; ExAC 0.00005; gnomAD exomes 0.00012.
gnomAD v4.1: 130 of 1,206,033 alleles (0.011%); highest among the groups gnomAD compares: Non-Finnish European, 0.013%; no homozygotes.

Submissions (2):

PreventionGenetics, part of Exact Sciences
Classification: Likely benign for PHF6-related condition. Last evaluated: 2023-01-19. Review status: no assertion criteria provided. Collection method: clinical testing. Allele origin: germline.
Comment: This variant is classified as likely benign based on ACMG/AMP sequence variant interpretation guidelines (Richards et al. 2015 PMID: 25741868, with internal and published modifications).

Dr. Peter K. Rogan Lab, Western University
No classification provided (evidence only). Condition: Nonpapillary renal cell carcinoma. Review status: no classification provided. Collection method: in vitro. Allele origin: not applicable. Functional consequence: retained intron. Not counted in ClinVar's aggregate classification.

NM_001015877.2(PHF6):c.834+28A>G

Gene: PHF6 (PHD finger protein 6; plus strand). Cytogenetic location: Xq26.2.
Variant type: single nucleotide variant.
Coding change: c.834+28A>G on transcript NM_001015877.2 (MANE Select); 28 bases into the intron after coding-DNA position 834, A replaced by G.
Molecular consequence: intron variant. On other transcripts: missense variant (1).
Genome position (GRCh38, 1-based): chrX:134,415,148, A>G. VCF-style: chrX-134415148-A-G. GRCh37 (hg19) VCF-style: chrX-133549178-A-G.
Other names: NC_000023.10:g.133549178A>G; c.865A>G, p.Thr289Ala (NM_032335.3); c.834+28A>G (NM_032458.3); short protein forms T289A.
Identifiers: ClinVar variation 3045519 (VCV003045519.3), dbSNP rs763321009, ClinGen allele CA090944.